The following is an entry in ClinVar:

ClinVar aggregate classification (germline): Uncertain significance (1 of 4 stars; one submission).

Submission:

Labcorp Genetics (formerly Invitae), Labcorp
Classification: Uncertain significance. Last evaluated: 2022-04-16. Review status: criteria provided, single submitter. Criteria: Invitae Variant Classification Sherloc (09022015). Collection method: clinical testing. Allele origin: germline.
Comment: In summary, the available evidence is currently insufficient to determine the role of this variant in disease. Therefore, it has been classified as a Variant of Uncertain Significance. This variant disrupts the p.Met285 amino acid residue in PDZD7. Other variant(s) that disrupt this residue have been determined to be pathogenic (PMID: 26416264). This suggests that this residue is clinically significant, and that variants that disrupt this residue are likely to be disease-causing. Algorithms developed to predict the effect of missense changes on protein structure and function are either unavailable or do not agree on the potential impact of this missense change (SIFT: "Deleterious"; PolyPhen-2: "Not Available"; Align-GVGD: "Class C15"). This variant has not been reported in the literature in individuals affected with PDZD7-related conditions. This variant is not present in population databases (gnomAD no frequency). This sequence change replaces methionine, which is neutral and non-polar, with valine, which is neutral and non-polar, at codon 285 of the PDZD7 protein (p.Met285Val).

Literature cited by the submitters: PubMed 26416264.

NM_001195263.2(PDZD7):c.853A>G (p.Met285Val)

Gene: PDZD7 (PDZ domain containing 7; minus strand). Cytogenetic location: 10q24.31.
Variant type: single nucleotide variant.
Coding change: c.853A>G on transcript NM_001195263.2 (MANE Select); coding-DNA position 853, A replaced by G.
Protein change: p.Met285Val; replaces methionine 285 with valine.
Molecular consequence: missense variant.
Genome position (GRCh38, 1-based): chr10:101,021,812, T>C on the plus strand (A>G on the coding strand, the complement: PDZD7 is on the minus strand). VCF-style: chr10-101021812-T-C. GRCh37 (hg19) VCF-style: chr10-102781569-T-C.
Other names: c.853A>G, p.Met285Val (NM_001351044.2, NM_024895.5); short protein forms M285V.
Identifiers: ClinVar variation 2125758 (VCV002125758.4), dbSNP rs2492931828, ClinGen allele CA378229542.